The following is an entry in ClinVar:

NM_014000.3(VCL):c.-4C>T

Genes: VCL (vinculin; plus strand), LOC130004109 (ATAC-STARR-seq lymphoblastoid active region 3587; plus strand). Cytogenetic location: 10q22.2.
Variant type: single nucleotide variant.
Coding change: c.-4C>T on transcript NM_014000.3 (MANE Select); 4 bases upstream of the start codon, C replaced by T.
Molecular consequence: 5 prime UTR variant.
Genome position (GRCh38, 1-based): chr10:73,998,204, C>T. VCF-style: chr10-73998204-C-T. GRCh37 (hg19) VCF-style: chr10-75757962-C-T.
Other names: c.-4C>T (NM_003373.4).
Identifiers: ClinVar variation 2565624 (VCV002565624.3), dbSNP rs1198438654, ClinGen allele CA594709331.

ClinVar aggregate classification (germline): Uncertain significance (1 of 4 stars; one submission).

Conditions:
Cardiovascular phenotype. Identifiers: MedGen CN230736.

Allele frequency attached by ClinVar (database versions not stated): TOPMed below 0.00001; gnomAD exomes 0.00001.

Submission:

Ambry Genetics
Classification: Uncertain significance for Cardiovascular phenotype. Last evaluated: 2026-01-09. Review status: criteria provided, single submitter. Criteria: Ambry Variant Classification Scheme 2023. Collection method: clinical testing. Allele origin: germline.
Comment: The c.-4C>T variant is located in the 5' untranslated region (5&rsquo; UTR) of the VCL gene. This variant results from a C to T substitution 4 bases upstream from the first translated codon. This variant was reported in individual(s) with features consistent with dilated cardiomyopathy (DCM) (Perret C et al. Clin Genet, 2024 Feb;105:185-189). This nucleotide position is highly conserved in available vertebrate species. Based on the available evidence, the clinical significance of this variant remains unclear.

Literature cited by the submitters: PubMed 37904629.